The following is an entry in ClinVar:

NM_018191.4(RCBTB1):c.1442G>C (p.Arg481Thr)

Gene: RCBTB1 (RCC1 and BTB domain containing protein 1; minus strand). Cytogenetic location: 13q14.2.
Variant type: single nucleotide variant.
Coding change: c.1442G>C on transcript NM_018191.4 (MANE Select); coding-DNA position 1442, G replaced by C.
Protein change: p.Arg481Thr; replaces arginine 481 with threonine.
Molecular consequence: missense variant. On other transcripts: non-coding transcript variant (2).
Genome position (GRCh38, 1-based): chr13:49,540,889, C>G on the plus strand (G>C on the coding strand, the complement: RCBTB1 is on the minus strand). VCF-style: chr13-49540889-C-G. GRCh37 (hg19) VCF-style: chr13-50115025-C-G.
Other names: c.1442G>C, p.Arg481Thr (NM_001352500.2, NM_001352501.2, NM_001352502.2 and 2 more transcripts); c.863G>C, p.Arg288Thr (NM_001352506.2); short protein forms R288T, R481T.
Identifiers: ClinVar variation 2194955 (VCV002194955.4), dbSNP rs374537790, ClinGen allele CA6982578.

ClinVar aggregate classification (germline): Uncertain significance (1 of 4 stars; one submission).

Allele frequency attached by ClinVar (database versions not stated): gnomAD 0.00001; ExAC 0.00002; TOPMed 0.00002; ESP Exome Variant Server 0.00008.

Submission:

Labcorp Genetics (formerly Invitae), Labcorp
Classification: Uncertain significance. Last evaluated: 2024-02-24. Review status: criteria provided, single submitter. Criteria: Invitae Variant Classification Sherloc (09022015). Collection method: clinical testing. Allele origin: germline.
Comment: This sequence change replaces arginine, which is basic and polar, with threonine, which is neutral and polar, at codon 481 of the RCBTB1 protein (p.Arg481Thr). This variant is present in population databases (rs374537790, gnomAD 0.006%). This variant has not been reported in the literature in individuals affected with RCBTB1-related conditions. ClinVar contains an entry for this variant (Variation ID: 2194955). Advanced modeling of protein sequence and biophysical properties (such as structural, functional, and spatial information, amino acid conservation, physicochemical variation, residue mobility, and thermodynamic stability) performed at Invitae indicates that this missense variant is not expected to disrupt RCBTB1 protein function with a negative predictive value of 80%. In summary, the available evidence is currently insufficient to determine the role of this variant in disease. Therefore, it has been classified as a Variant of Uncertain Significance.